The following is an entry in ClinVar:

NM_001008212.2(OPTN):c.16C>T (p.Leu6Phe)

Genes: OPTN (optineurin; plus strand), LOC108903148 (10p13 OPTN distal Alu-mediated recombination region; plus strand). Cytogenetic location: 10p13.
Variant type: single nucleotide variant.
Coding change: c.16C>T on transcript NM_001008212.2 (MANE Select); coding-DNA position 16, C replaced by T.
Protein change: p.Leu6Phe; replaces leucine 6 with phenylalanine.
Molecular consequence: missense variant.
Genome position (GRCh38, 1-based): chr10:13,109,138, C>T. VCF-style: chr10-13109138-C-T. GRCh37 (hg19) VCF-style: chr10-13151138-C-T.
Other names: c.16C>T, p.Leu6Phe (NM_001008211.1, NM_001008213.1, NM_021980.4); short protein forms L6F.
Identifiers: ClinVar variation 2421485 (VCV002421485.8), dbSNP rs747128537, ClinGen allele CA5410491.

ClinVar aggregate classification (germline): Uncertain significance (1 of 4 stars; one submission).

Conditions:
Primary open angle glaucoma (POAG). Also called: OPTN-related open angle glaucoma. Identifiers: MedGen C0339573, MONDO:0100553, OMIM 137760.
Amyotrophic lateral sclerosis type 12 (ALS12). Also called: AMYOTROPHIC LATERAL SCLEROSIS 12 WITH OR WITHOUT FRONTOTEMPORAL DEMENTIA. Identifiers: Orphanet 803, MedGen C3150692, MONDO:0013264, OMIM 613435.
Glaucoma 1, open angle, E. Identifiers: MedGen C1842026, MONDO:0007665.

Allele frequency attached by ClinVar (database versions not stated): ExAC 0.00001.
gnomAD v4.1: 3 of 1,614,082 alleles (0.00019%); highest among the groups gnomAD compares: Non-Finnish European, 0.00025%; no homozygotes.

Submission:

Labcorp Genetics (formerly Invitae), Labcorp
Classification: Uncertain significance for Primary open angle glaucoma; Glaucoma 1, open angle, E; Amyotrophic lateral sclerosis type 12. Last evaluated: 2022-09-23. Review status: criteria provided, single submitter. Criteria: Invitae Variant Classification Sherloc (09022015). Collection method: clinical testing. Allele origin: germline.
Comment: This sequence change replaces leucine, which is neutral and non-polar, with phenylalanine, which is neutral and non-polar, at codon 6 of the OPTN protein (p.Leu6Phe). This variant is not present in population databases (gnomAD no frequency). This variant has not been reported in the literature in individuals affected with OPTN-related conditions. Algorithms developed to predict the effect of missense changes on protein structure and function are either unavailable or do not agree on the potential impact of this missense change (SIFT: "Tolerated"; PolyPhen-2: "Possibly Damaging"; Align-GVGD: "Class C0"). Algorithms developed to predict the effect of sequence changes on RNA splicing suggest that this variant may create or strengthen a splice site. In summary, the available evidence is currently insufficient to determine the role of this variant in disease. Therefore, it has been classified as a Variant of Uncertain Significance.